The following is an entry in ClinVar:

ClinVar aggregate classification (germline): Pathogenic/Likely pathogenic. Review status: criteria provided, multiple submitters, no conflicts (2 of 4 stars). 12 submissions from 12 submitters: Pathogenic (9); Likely pathogenic (2). 1 of the submissions does not count toward it. Last evaluated 2025-12-23.

Conditions:
Ehlers-Danlos syndrome, type 4 (EDSVASC). Also called: Ehlers-Danlos syndrome vascular type; Ehlers Danlos syndrome, ecchymotic type; Ehlers Danlos syndrome, arterial type; Ehlers Danlos syndrome, Sack-Barabas type; Ehlers-Danlos Syndrome Type IV. Identifiers: Orphanet 286, MedGen C0268338, MONDO:0017314, OMIM 130050.
Familial thoracic aortic aneurysm and aortic dissection (TAAD). Also called: Thoracic aortic aneurysms and dissections. Identifiers: Orphanet 91387, MedGen C4707243, MONDO:0019625.

Allele frequency attached by ClinVar (database versions not stated): gnomAD exomes below 0.00001.

Submissions 1 to 6 of 12:

Labcorp Genetics (formerly Invitae), Labcorp
Classification: Pathogenic for Ehlers-Danlos syndrome, type 4. Last evaluated: 2025-12-23. Review status: criteria provided, single submitter. Criteria: Invitae Variant Classification Sherloc (09022015). Collection method: clinical testing. Allele origin: germline.
Comment: This sequence change replaces glycine, which is neutral and non-polar, with serine, which is neutral and polar, at codon 324 of the COL3A1 protein (p.Gly324Ser). This variant is not present in population databases (gnomAD no frequency). This missense change has been observed in individuals with clinical features of Ehlers-Danlos syndrome, vascular type (PMID: 17053184, 22713205, 23234825, 25758994). ClinVar contains an entry for this variant (Variation ID: 101388). Invitae Evidence Modeling of protein sequence and biophysical properties (such as structural, functional, and spatial information, amino acid conservation, physicochemical variation, residue mobility, and thermodynamic stability) indicates that this missense variant is expected to disrupt COL3A1 protein function with a positive predictive value of 95%. This variant disrupts the triple helix domain of COL3A1. Glycine residues within the Gly-Xaa-Yaa repeats of the triple helix domain are required for the structure and stability of fibrillar collagens (PMID: 7695699, 8218237, 19344236). In COL3A1, variants that affect these glycine residues are significantly enriched in individuals with disease (PMID: 24922459, 25758994) compared to the general population (ExAC). For these reasons, this variant has been classified as Pathogenic.

Variantyx, Inc.
Classification: Pathogenic for Ehlers-Danlos syndrome, type 4. Last evaluated: 2025-11-18. Review status: criteria provided, single submitter. Criteria: Variantyx Assertion Criteria 2022. Collection method: clinical testing. Allele origin: germline. Inheritance: Autosomal dominant inheritance. Affected: yes.
Comment: This is a nonsynonymous variant in the COL3A1 gene (OMIM: 120180). Pathogenic variants in this gene have been associated with autosomal dominant vascular-type Ehlers-Danlos syndrome. This variant leads to a glycine substitution in the repetitive Gly-X-Y sequence of the triple helix domain (amino acids 168-1196) of the COL3A1 protein, which is a known mechanism in many collagenopathies (PMID: 25776230, 25758994, 30474650)(PM1_Strong). It has been reported in at least 3 unrelated affected individuals (PMID: 22713205, 23234825, 25758994, 17053184) (PS4) and it has been observed to segregate with disease in at least 4 individuals from one family (PMID: 17053184) (PP1). Multiple computational algorithms predict a deleterious effect for this variant (REVEL score: 0.98) (PP3). This variant has a 0.0017% maximum allele frequency in non-founder control populations (PM2). Based on the current evidence, this variant is classified as pathogenic for autosomal dominant vascular-type Ehlers-Danlos syndrome.

Ambry Genetics
Classification: Likely pathogenic for Familial thoracic aortic aneurysm and aortic dissection. Last evaluated: 2025-09-17. Review status: criteria provided, single submitter. Criteria: Ambry Variant Classification Scheme 2023. Collection method: clinical testing. Allele origin: germline.
Comment: The p.G324S variant (also known as c.970G>A), located in coding exon 14 of the COL3A1 gene, results from a G to A substitution at nucleotide position 970. The glycine at codon 324 is replaced by serine, an amino acid with similar properties. The majority (approximately two-thirds) ofCOL3A1mutations identified to date have involved the substitution of another amino acid for glycine within the triple-helical domain (PepinMG et al.GenetMed.2014;16(12):881-8; Frank M et al.Eur J Hum Genet. 2015;23(12):1657-64). This variant was reported in individual(s) with features consistent with COL3A1-related Ehlers-Danlos syndrome (Martin JJ et al. Stroke, 2006 Dec;37:2924-9; Rebelo M et al. Acta Med Port;24:1079-86; Ellis RJ et al. BMJ Case Rep, 2012;2012:; Pepin MG et al. Genet Med, 2014 Dec;16:881-8; Frank M et al. Eur J Hum Genet, 2015 Dec;23:1657-64; Traenka C et al. Eur Stroke J, 2019 Dec;4:355-362; Legrand A et al. Genet Med, 2019 Jul;21:1568-1575; S&oslash;lyst S et al. Clin Genet, 2022 Sep;102:191-200). Internal structural analysis indicates that this alteration disrupts the characteristic G-X-Y motif in theCOL3A1protein and inserts a bulky side chain into asterically-constrainedregion (Bella J et al.Science.1994;266:75-81;HohenesterE et al.Proc. Natl.Acad. Sci. U.S.A.2008;105:18273-7; Ambry internal data). This amino acid position is highly conserved in available vertebrate species. In addition, this alteration is predicted to be deleterious by in silico analysis. This variant is considered to be rare based on population cohorts in the Genome Aggregation Database (gnomAD). Based on the majority of available evidence to date, this variant is likely to be pathogenic.

All of Us Research Program, National Institutes of Health
Classification: Pathogenic for Ehlers-Danlos syndrome, type 4. Last evaluated: 2024-08-07. Review status: criteria provided, single submitter. Criteria: ACMG Guidelines, 2015. Collection method: clinical testing. Allele origin: germline. Inheritance: Autosomal dominant inheritance. Observed: 1 variant allele, 1 heterozygote.
Comment: The c.970G>A (p.Gly324Ser) variant in COL3A1 gene that encodes for collagen type III alpha 1 chain, has been reported in several individuals (>10) affected with vascular Ehlers-Danlos syndrome or other COL3A1 related phenotypes (PMID: 22713205, 23234825, 25758994, 31008308, 30474650, 31126764, 31903434, 31791984, 35699227, 36977837, 37042257). This variant affects the conserved glycine residue and changes to this amino acid in COL3A1 protein are significantly enriched in individuals with COL3A1-related conditions (PMID: 24922459, 25758994). Glycine residues within the Gly-X-Y repeats of the triple helix domain are required for the structure and stability of fibrillar collagens (PMID: 7695699, 8218237, 19344236). In-silico computational prediction tools suggest that the p.Gly324Ser variant may have deleterious effect on the protein function (REVEL score: 0.98). This variant is absent in the general population database gnomAD and interpreted as pathogenic by several submitters in ClinVar database (ClinVar ID: 101388). Therefore, the c.970G>A (p.Gly324Ser) variant in COL3A1 is classified as pathogenic.

This study involves interpretation of variants in research participants for the purpose of population health screening. Participant phenotype was not available at the time of variant classification. Additional details can be found in publication PMID: 35346344, PMCID: PMC8962531

Color Diagnostics, LLC DBA Color Health
Classification: Pathogenic for Familial thoracic aortic aneurysm and aortic dissection. Last evaluated: 2024-08-01. Review status: criteria provided, single submitter. Criteria: ACMG Guidelines, 2015. Collection method: clinical testing. Allele origin: germline.
Comment: This variant changes one of the conserved glycine residues within the Gly-Xaa-Yaa repeat motifs of the triple helical domain of the COL3A1 protein. Conserved glycine residues within the Gly-Xaa-Yaa repeats are required for the structural stability of fibrillar collagens (PMID: 7695699, 8218237, 19344236), and missense variants occurring at these glycine residues have been associated with disease (PMID: 24922459, 25758994). Computational prediction tools indicate that this p.Gly324Ser variant has a deleterious impact on protein structure and function. This variant has been reported in multiple individuals affected with vascular Ehlers Danlos syndrome (PMID: 22713205, 23234825, 25758994, 30474650, 31126764, 31791984, 35699227, 36977837). It has also been reported in two individuals in one family affected with internal carotid artery dissection (PMID: 17053184, 31008308, 31903434) and in an individual affected with thoracic aortic aneurysm and dissection (PMID: 37042257). It has been shown that this variant segregates with disease in 7 affected individuals across 3 families (PMID: 17053184, 31008308, 31903434, 35699227, 36977837). This variant has not been identified in the general population by the Genome Aggregation Database (gnomAD). Based on the available evidence, this variant is classified as Pathogenic.

3billion
Classification: Pathogenic for Ehlers-Danlos syndrome, type 4. Last evaluated: 2024-02-07. Review status: criteria provided, single submitter. Criteria: ACMG Guidelines, 2015. Collection method: clinical testing. Allele origin: germline. Affected: yes.
Comment: The variant is not observed in the gnomAD v2.1.1 dataset. Predicted Consequence/Location: Missense changes are a common disease-causing mechanism. In silico tool predictions suggest damaging effect of the variant on gene or gene product [REVEL: 0.98 (>=0.6, sensitivity 0.68 and specificity 0.92); 3Cnet: 1.00 (>=0.6, sensitivity 0.72 and precision 0.9)]. Same nucleotide change resulting in same amino acid change has been previously reported as pathogenic/likely pathogenic with strong evidence (ClinVar ID: VCV000101388 /PMID: 17053184).The variant has been observed in at least two similarly affected unrelated individuals (PMID: 22713205, 23234825, 25758994).Different missense changes at the same codon (p.Gly324Asp, p.Gly324Val) have been reported to be associated with COL3A1-related disorder (ClinVar ID: VCV001702202 /PMID: 29907982). Therefore, this variant is classified as Pathogenic according to the recommendation of ACMG/AMP guideline.

NM_000090.4(COL3A1):c.970G>A (p.Gly324Ser)

Gene: COL3A1 (collagen type III alpha 1 chain; plus strand). Cytogenetic location: 2q32.2.
Variant type: single nucleotide variant.
Coding change: c.970G>A on transcript NM_000090.4 (MANE Select); coding-DNA position 970, G replaced by A.
Protein change: p.Gly324Ser; replaces glycine 324 with serine.
Molecular consequence: missense variant.
Genome position (GRCh38, 1-based): chr2:188,992,202, G>A. VCF-style: chr2-188992202-G-A. GRCh37 (hg19) VCF-style: chr2-189856928-G-A.
Identifiers: ClinVar variation 101388 (VCV000101388.24), dbSNP rs587779650, ClinGen allele CA007720.